The following is an entry in ClinVar:

NM_138694.4(PKHD1):c.3419del (p.Asp1140fs)

Gene: PKHD1 (PKHD1 ciliary IPT domain containing fibrocystin/polyductin; minus strand). Cytogenetic location: 6p12.2.
Variant type: Deletion.
Coding change: c.3419del on transcript NM_138694.4 (MANE Select); coding-DNA position 3419, one base deleted (A; older notation c.3419delA).
Protein change: p.Asp1140fs; shifts the reading frame from aspartic acid 1140.
Molecular consequence: frameshift variant.
Genome position (GRCh38, 1-based): chr6:52,028,297, T deleted on the plus strand (A on the coding strand, the reverse complement: PKHD1 is on the minus strand). VCF-style (leftmost placement, unchanged base first): chr6-52028296-AT-A. GRCh37 (hg19) VCF-style: chr6-51893094-AT-A.
Other names: c.3419del, p.Asp1140fs (NM_170724.3); short protein forms D1140fs.
Identifiers: ClinVar variation 4816634 (VCV004816634.1).

ClinVar aggregate classification (germline): Likely pathogenic (1 of 4 stars; one submission).

Conditions:
Autosomal recessive polycystic kidney disease (ARPKD). Also called: AR polycystic kidney disease. Identifiers: Orphanet 731, Orphanet 8378, MedGen C0085548, MeSH D017044, MONDO:0009889.

Submission:

Natera, Inc.
Classification: Likely pathogenic for Autosomal recessive polycystic kidney disease. Last evaluated: 2024-10-29. Review status: criteria provided, single submitter. Criteria: Natera Variant Classification Schema (03/2026). Collection method: clinical testing. Allele origin: germline.
Comment: The c.3419delA variant in PKHD1 is a frameshift variant predicted to shift the reading frame beginning at codon 1140 and leads to a stop codon 80 codons downstream. This variant is expected to result in nonsense mediated decay, truncation, or a dysfunctional protein product. This variant is rare in the general population with a frequency below the threshold expected for the associated phenotype(s). Given the available evidence, this variant is classified as Likely Pathogenic.